The following is an entry in ClinVar:

ClinVar aggregate classification (germline): Uncertain significance (1 of 4 stars; one submission).

Conditions:
Dyskeratosis congenita, autosomal dominant 1 (DKCA1). Also called: Dyskeratosis congenita Scoggins type. Identifiers: Orphanet 1775, MedGen C4551974, MONDO:0007485, OMIM 127550. Inheritance: Variable.

Submission:

Labcorp Genetics (formerly Invitae), Labcorp
Classification: Uncertain significance for Dyskeratosis congenita, autosomal dominant 1. Last evaluated: 2023-02-22. Review status: criteria provided, single submitter. Criteria: Invitae Variant Classification Sherloc (09022015). Collection method: clinical testing. Allele origin: germline.
Comment: In summary, the available evidence is currently insufficient to determine the role of this variant in disease. Therefore, it has been classified as a Variant of Uncertain Significance. This variant is located at the 5’ end of the TERC RNA component (PMID: 15082312, 21844345). The functional significance of this region is not well understood. ClinVar contains an entry for this variant (Variation ID: 969630). This variant has not been reported in the literature in individuals affected with TERC-related conditions. This variant is not present in population databases (gnomAD no frequency). This variant occurs in the TERC gene, which encodes an RNA molecule that does not result in a protein product.

Literature cited by the submitters: PubMed 15082312; PubMed 21844345.

NC_000003.12:g.169765060C>G

Genes: TERC (telomerase RNA component; minus strand), LOC110806306 (telomerase RNA component (TERC) promoter; plus strand). Cytogenetic location: 3q26.2.
Variant type: single nucleotide variant.
Genome position: GRCh38 VCF-style: chr3-169765060-C-G. GRCh37 (hg19) VCF-style: chr3-169482848-C-G.
Identifiers: ClinVar variation 969630 (VCV000969630.10), dbSNP rs953309807, ClinGen allele CA87624629.